The following is an entry in ClinVar:

ClinVar aggregate classification (germline): Uncertain significance. Review status: criteria provided, multiple submitters, no conflicts (2 of 4 stars). 3 submissions from 3 submitters: Uncertain significance (3). Last evaluated 2025-06-04.

Conditions:
Juvenile polyposis syndrome (JPS). Identifiers: Orphanet 2929, MedGen C0345893, MONDO:0017380, OMIM 174900.
Hereditary cancer-predisposing syndrome. Also called: Hereditary neoplastic syndrome; Tumor predisposition; Neoplastic Syndromes, Hereditary; Hereditary Cancer Syndrome. Identifiers: Orphanet 140162, MedGen C0027672, MeSH D009386, MONDO:0015356.
Familial thoracic aortic aneurysm and aortic dissection (TAAD). Also called: Thoracic aortic aneurysms and dissections. Identifiers: Orphanet 91387, MedGen C4707243, MONDO:0019625.

Allele frequency attached by ClinVar (database versions not stated): gnomAD exomes below 0.00001.
gnomAD v4.1: 1 of 1,614,108 alleles (0.000062%); no homozygotes.

Submissions (3):

Labcorp Genetics (formerly Invitae), Labcorp
Classification: Uncertain significance for Juvenile polyposis syndrome. Last evaluated: 2025-06-04. Review status: criteria provided, single submitter. Criteria: Invitae Variant Classification Sherloc (09022015). Collection method: clinical testing. Allele origin: germline.
Comment: This sequence change replaces glycine, which is neutral and non-polar, with arginine, which is basic and polar, at codon 270 of the SMAD4 protein (p.Gly270Arg). This variant is not present in population databases (gnomAD no frequency). This variant has not been reported in the literature in individuals affected with SMAD4-related conditions. ClinVar contains an entry for this variant (Variation ID: 1712648). Invitae Evidence Modeling of protein sequence and biophysical properties (such as structural, functional, and spatial information, amino acid conservation, physicochemical variation, residue mobility, and thermodynamic stability) has been performed for this missense variant. However, the output from this modeling did not meet the statistical confidence thresholds required to predict the impact of this variant on SMAD4 protein function. In summary, the available evidence is currently insufficient to determine the role of this variant in disease. Therefore, it has been classified as a Variant of Uncertain Significance.

Ambry Genetics
Classification: Uncertain significance for Hereditary cancer-predisposing syndrome; Familial thoracic aortic aneurysm and aortic dissection. Last evaluated: 2023-09-13. Review status: criteria provided, single submitter. Criteria: Ambry Variant Classification Scheme 2023. Collection method: clinical testing. Allele origin: germline.
Comment: The p.G270R variant (also known as c.808G>A), located in coding exon 6 of the SMAD4 gene, results from a G to A substitution at nucleotide position 808. The glycine at codon 270 is replaced by arginine, an amino acid with dissimilar properties. This amino acid position is conserved. In addition, this alteration is predicted to be tolerated by in silico analysis. Since supporting evidence is limited at this time, the clinical significance of this alteration remains unclear.

GeneDx
Classification: Uncertain significance. Last evaluated: 2022-04-26. Review status: criteria provided, single submitter. Criteria: GeneDx Variant Classification Process June 2021. Collection method: clinical testing. Allele origin: germline. Affected: yes.
Comment: Has not been previously published as pathogenic or benign to our knowledge; Not observed at significant frequency in large population cohorts (gnomAD); In silico analysis supports that this missense variant has a deleterious effect on protein structure/function; This variant is associated with the following publications: (PMID: 18823382, 22992590, 15235019)

NM_005359.6(SMAD4):c.808G>A (p.Gly270Arg)

Gene: SMAD4 (SMAD family member 4; plus strand). Cytogenetic location: 18q21.2.
Variant type: single nucleotide variant.
Coding change: c.808G>A on transcript NM_005359.6 (MANE Select); coding-DNA position 808, G replaced by A.
Protein change: p.Gly270Arg; replaces glycine 270 with arginine.
Molecular consequence: missense variant.
Genome position (GRCh38, 1-based): chr18:51,058,360, G>A. VCF-style: chr18-51058360-G-A. GRCh37 (hg19) VCF-style: chr18-48584730-G-A.
Other names: c.808G>A, p.Gly270Arg (NM_001407041.1, NM_001407042.1, NM_001407043.1); short protein forms G270R.
Identifiers: ClinVar variation 1712648 (VCV001712648.4), dbSNP rs2144428548, ClinGen allele CA402463333.